The following is an entry in ClinVar:

NM_000368.5(TSC1):c.-44G>A

Gene: TSC1 (TSC complex subunit 1; minus strand). Cytogenetic location: 9q34.13.
Variant type: single nucleotide variant.
Coding change: c.-44G>A on transcript NM_000368.5 (MANE Select); 44 bases upstream of the start codon, G replaced by A.
Molecular consequence: 5 prime UTR variant.
Genome position (GRCh38, 1-based): chr9:132,928,916, C>T on the plus strand (G>A on the coding strand, the complement: TSC1 is on the minus strand). VCF-style: chr9-132928916-C-T. GRCh37 (hg19) VCF-style: chr9-135804303-C-T.
Other names: c.-44G>A (NM_001162426.2, NM_001162427.2); c.-303G>A (NM_001362177.2).
Identifiers: ClinVar variation 386957 (VCV000386957.1), dbSNP rs773447503, ClinGen allele CA037527.
Genomic context (GRCh38, chr9:132,928,916, plus strand): 5'-TTTGCTTGTTGGGCCATTCTCTCGCTCGAAGGCGCTGTGCTGGCTCCAGGACGTGTGCTA[C>T]AGGTTCTGAAGGTTCTTCATTGGGGCCACTACCAAACTGAGAAAAAGGAAGATGAACAGT-3'

ClinVar aggregate classification (germline): Likely benign (1 of 4 stars; one submission).

Allele frequency attached by ClinVar (database versions not stated): gnomAD 0.00001; TOPMed 0.00001; gnomAD exomes 0.00002 and 0.00003; ExAC 0.00003.
gnomAD v4.1: 33 of 1,612,184 alleles (0.002%); highest among the groups gnomAD compares: South Asian, 0.0044%; no homozygotes.

Submission:

GeneDx
Classification: Likely benign. Last evaluated: 2016-06-20. Review status: criteria provided, single submitter. Criteria: GeneDx Variant Classification (06012015). Collection method: clinical testing. Allele origin: germline. Affected: yes.
Comment: This variant is considered likely benign or benign based on one or more of the following criteria: it is a conservative change, it occurs at a poorly conserved position in the protein, it is predicted to be benign by multiple in silico algorithms, and/or has population frequency not consistent with disease.